The following is an entry in ClinVar:

ClinVar aggregate classification (germline): Uncertain significance (1 of 4 stars; one submission).

Conditions:
Hepatic veno-occlusive disease-immunodeficiency syndrome. Also called: Hepatic Veno-Occlusive Disease with Immunodeficiency. Identifiers: Orphanet 79124, MedGen C1856128, MONDO:0009338, OMIM 235550. Disease mechanism: loss of function.

Submission:

Labcorp Genetics (formerly Invitae), Labcorp
Classification: Uncertain significance for Hepatic veno-occlusive disease-immunodeficiency syndrome. Last evaluated: 2021-08-09. Review status: criteria provided, single submitter. Criteria: Invitae Variant Classification Sherloc (09022015). Collection method: clinical testing. Allele origin: germline.
Comment: This variant is present in population databases (rs769672517, ExAC 0.001%). This sequence change creates a premature translational stop signal (p.Asp670Argfs*10) in the SP110 gene. While this is not anticipated to result in nonsense mediated decay, it is expected to disrupt the last 20 amino acid(s) of the SP110 protein. This variant has not been reported in the literature in individuals affected with SP110-related conditions. Experimental studies and prediction algorithms are not available or were not evaluated, and the functional significance of this variant is currently unknown. In summary, the available evidence is currently insufficient to determine the role of this variant in disease. Therefore, it has been classified as a Variant of Uncertain Significance.

NM_080424.4(SP110):c.2079dup (p.Asp694fs)

Gene: SP110 (SP110 nuclear body protein; minus strand). Cytogenetic location: 2q37.1.
Variant type: Duplication.
Coding change: c.2079dup on transcript NM_080424.4 (MANE Select); coding-DNA position 2079, one base duplicated (A; older notation c.2079dupA).
Protein change: p.Asp694fs; shifts the reading frame from aspartic acid 694.
Molecular consequence: frameshift variant.
Genome position (GRCh38, 1-based): chr2:230,169,187, T duplicated on the plus strand (A on the coding strand, the reverse complement: SP110 is on the minus strand); the first of 5 consecutive T bases (chr2:230,169,187-230,169,191); duplicating any one gives the same sequence. VCF-style (leftmost placement, unchanged base first): chr2-230169186-C-CT. GRCh37 (hg19) VCF-style: chr2-231033902-C-CT.
Other names: c.2175dup, p.Asp726fs (NM_001378442.1); c.2157dup, p.Asp720fs (NM_001378443.1); c.2097dup, p.Asp700fs (NM_001378444.1); c.2025dup, p.Asp676fs (NM_001378445.1); c.1884dup, p.Asp629fs (NM_001378446.1); c.2007dup, p.Asp670fs (NM_004509.5); short protein forms D700fs, D720fs, D694fs, D629fs, D670fs, D676fs, D726fs.
Identifiers: ClinVar variation 1466175 (VCV001466175.6), dbSNP rs769672517, ClinGen allele CA2154247.